The following is an entry in ClinVar:

ClinVar aggregate classification (germline): Uncertain significance. Review status: criteria provided, multiple submitters, no conflicts (2 of 4 stars). 2 submissions from 2 submitters: Uncertain significance (2). Last evaluated 2024-02-22.

Conditions:
Hereditary cancer-predisposing syndrome. Also called: Neoplastic Syndromes, Hereditary; Tumor predisposition; Hereditary Cancer Syndrome; Hereditary neoplastic syndrome. Identifiers: Orphanet 140162, MedGen C0027672, MeSH D009386, MONDO:0015356.

gnomAD v4.1: 1 of 1,613,710 alleles (0.000062%); highest among the groups gnomAD compares: South Asian, 0.0011%; no homozygotes.

Submissions (2):

Ambry Genetics
Classification: Uncertain significance for Hereditary cancer-predisposing syndrome. Last evaluated: 2024-02-22. Review status: criteria provided, single submitter. Criteria: Ambry Variant Classification Scheme 2023. Collection method: clinical testing. Allele origin: germline.
Comment: The p.C66S variant (also known as c.196T>A), located in coding exon 1 of the HOXB13 gene, results from a T to A substitution at nucleotide position 196. The cysteine at codon 66 is replaced by serine, an amino acid with dissimilar properties. This amino acid position is conserved. In addition, the in silico prediction for this alteration is inconclusive. Since supporting evidence is limited at this time, the clinical significance of this alteration remains unclear.

Labcorp Genetics (formerly Invitae), Labcorp
Classification: Uncertain significance. Last evaluated: 2023-12-14. Review status: criteria provided, single submitter. Criteria: Invitae Variant Classification Sherloc (09022015). Collection method: clinical testing. Allele origin: germline.
Comment: This sequence change replaces cysteine, which is neutral and slightly polar, with serine, which is neutral and polar, at codon 66 of the HOXB13 protein (p.Cys66Ser). This variant is not present in population databases (gnomAD no frequency). This variant has not been reported in the literature in individuals affected with HOXB13-related conditions. ClinVar contains an entry for this variant (Variation ID: 1783596). Advanced modeling of protein sequence and biophysical properties (such as structural, functional, and spatial information, amino acid conservation, physicochemical variation, residue mobility, and thermodynamic stability) performed at Invitae indicates that this missense variant is not expected to disrupt HOXB13 protein function with a negative predictive value of 80%. In summary, the available evidence is currently insufficient to determine the role of this variant in disease. Therefore, it has been classified as a Variant of Uncertain Significance.

NM_006361.6(HOXB13):c.196T>A (p.Cys66Ser)

Gene: HOXB13 (homeobox B13; minus strand). Cytogenetic location: 17q21.32.
Variant type: single nucleotide variant.
Coding change: c.196T>A on transcript NM_006361.6 (MANE Select); coding-DNA position 196, T replaced by A.
Protein change: p.Cys66Ser; replaces cysteine 66 with serine.
Molecular consequence: missense variant.
Genome position (GRCh38, 1-based): chr17:48,728,398, A>T on the plus strand (T>A on the coding strand, the complement: HOXB13 is on the minus strand). VCF-style: chr17-48728398-A-T. GRCh37 (hg19) VCF-style: chr17-46805760-A-T.
Other names: short protein forms C66S.
Identifiers: ClinVar variation 1783596 (VCV001783596.7), dbSNP rs778843798, ClinGen allele CA400107943.
Genomic context (GRCh38, chr17:48,728,398, plus strand): 5'-CGCCTCCAAAGTAACCATAAGGCACGGGAGCTGGGGACGTCCCCTGGGGCACCCCAGGGC[A>T]TGGGTGGCATTGCTTTGGCGGCTCCGCCGAGCCTGGCAGATCCAAGGGGGCATAGTTGAC-3'
Protein context (NP_006352.2, residues 56-76): SAEPPKQCHP[Cys66Ser]PGVPQGTSPA